The following is an entry in ClinVar:

ClinVar aggregate classification (germline): Uncertain significance (1 of 4 stars; one submission).

Conditions:
Short-rib thoracic dysplasia 14 with polydactyly (SRTD14). Identifiers: Orphanet 397715, MedGen C4225286, MONDO:0014688, OMIM 616546.
Joubert syndrome 23 (JBTS23). Identifiers: Orphanet 475, MedGen C4084822, MONDO:0014664, OMIM 616490.

Allele frequency attached by ClinVar (database versions not stated): gnomAD 0.00001; gnomAD exomes 0.00001; TOPMed 0.00001.
gnomAD v4.1: 9 of 1,613,806 alleles (0.00056%); highest among the groups gnomAD compares: East Asian, 0.011%; no homozygotes.

Submission:

Labcorp Genetics (formerly Invitae), Labcorp
Classification: Uncertain significance for Joubert syndrome 23; Short-rib thoracic dysplasia 14 with polydactyly. Last evaluated: 2020-11-19. Review status: criteria provided, single submitter. Criteria: Invitae Variant Classification Sherloc (09022015). Collection method: clinical testing. Allele origin: germline.
Comment: In summary, the available evidence is currently insufficient to determine the role of this variant in disease. Therefore, it has been classified as a Variant of Uncertain Significance. Algorithms developed to predict the effect of missense changes on protein structure and function (SIFT, PolyPhen-2, Align-GVGD) all suggest that this variant is likely to be tolerated, but these predictions have not been confirmed by published functional studies and their clinical significance is uncertain. This variant has not been reported in the literature in individuals with KIAA0586-related conditions. This variant is not present in population databases (ExAC no frequency). This sequence change replaces valine with methionine at codon 30 of the KIAA0586 protein (p.Val30Met). The valine residue is weakly conserved and there is a small physicochemical difference between valine and methionine.

NM_001329943.3(KIAA0586):c.52G>A (p.Val18Met)

Gene: KIAA0586 (KIAA0586; plus strand). Cytogenetic location: 14q23.1.
Variant type: single nucleotide variant.
Coding change: c.52G>A on transcript NM_001329943.3 (MANE Select); coding-DNA position 52, G replaced by A.
Protein change: p.Val18Met; replaces valine 18 with methionine.
Molecular consequence: missense variant. On other transcripts: intron variant (5).
Genome position (GRCh38, 1-based): chr14:58,428,316, G>A. VCF-style: chr14-58428316-G-A. GRCh37 (hg19) VCF-style: chr14-58895034-G-A.
Other names: c.88G>A, p.Val30Met (NM_001244189.2); c.7G>A, p.Val3Met (NM_001244190.2); c.52G>A, p.Val18Met (NM_001329944.2, NM_001329946.2, NM_001329947.2 and 1 more transcripts); c.-57+679G>A (NM_001244192.2, NM_001244191.2); c.-57+503G>A (NM_001364701.2, NM_001329945.2, NM_001364700.1); short protein forms V30M, V18M, V3M.
Identifiers: ClinVar variation 1475972 (VCV001475972.8), dbSNP rs1260723288, ClinGen allele CA389859029.
Genomic context (GRCh38, chr14:58,428,316, plus strand): 5'-ACCAACAATATGAAAGGCTCTGAGGTCAGCTTGGAGAAGAAAAAAAAGATTAAGATGCCA[G>A]TGAAGAGACTTCGTGAGGTAGTTTCTCAAAATCATGGAGATCATTTGGTTTTGCTGAAAG-3'
Protein context (NP_001316872.1, residues 8-28): LEKKKKIKMP[Val18Met]KRLREVVSQN